The following is an entry in ClinVar:

NM_006662.3(SRCAP):c.2935A>G (p.Thr979Ala)

Gene: SRCAP (Snf2 related CREBBP activator protein; plus strand). Cytogenetic location: 16p11.2.
Variant type: single nucleotide variant.
Coding change: c.2935A>G on transcript NM_006662.3 (MANE Select); coding-DNA position 2935, A replaced by G.
Protein change: p.Thr979Ala; replaces threonine 979 with alanine.
Molecular consequence: missense variant.
Genome position (GRCh38, 1-based): chr16:30,720,279, A>G. VCF-style: chr16-30720279-A-G. GRCh37 (hg19) VCF-style: chr16-30731600-A-G.
Other names: short protein forms T979A.
Identifiers: ClinVar variation 1445837 (VCV001445837.6), dbSNP rs2052998194, ClinGen allele CA395612982.

ClinVar aggregate classification (germline): Uncertain significance (1 of 4 stars; one submission).

Allele frequency attached by ClinVar (database versions not stated): gnomAD exomes below 0.00001.
gnomAD v4.1: 1 of 1,614,132 alleles (0.000062%); highest among the groups gnomAD compares: Non-Finnish European, 0.000085%; no homozygotes.

Submission:

Labcorp Genetics (formerly Invitae), Labcorp
Classification: Uncertain significance. Last evaluated: 2024-10-07. Review status: criteria provided, single submitter. Criteria: Invitae Variant Classification Sherloc (09022015). Collection method: clinical testing. Allele origin: germline.
Comment: This sequence change replaces threonine, which is neutral and polar, with alanine, which is neutral and non-polar, at codon 979 of the SRCAP protein (p.Thr979Ala). This variant is not present in population databases (gnomAD no frequency). This variant has not been reported in the literature in individuals affected with SRCAP-related conditions. ClinVar contains an entry for this variant (Variation ID: 1445837). Invitae Evidence Modeling of protein sequence and biophysical properties (such as structural, functional, and spatial information, amino acid conservation, physicochemical variation, residue mobility, and thermodynamic stability) indicates that this missense variant is not expected to disrupt SRCAP protein function with a negative predictive value of 80%. In summary, the available evidence is currently insufficient to determine the role of this variant in disease. Therefore, it has been classified as a Variant of Uncertain Significance.